The following is an entry in ClinVar:

ClinVar aggregate classification (germline): Uncertain significance. Review status: criteria provided, multiple submitters, no conflicts (2 of 4 stars). 2 submissions from 2 submitters: Uncertain significance (2). Last evaluated 2024-04-15.

Conditions:
Inborn genetic diseases. Identifiers: MedGen C0950123, MeSH D030342.

Allele frequency attached by ClinVar (database versions not stated): ExAC 0.00001; gnomAD 0.00002; TOPMed 0.00002.
gnomAD v4.1: 15 of 1,613,960 alleles (0.00093%); highest among the groups gnomAD compares: Admixed American, 0.0017%; no homozygotes.

Submissions (2):

GeneDx
Classification: Uncertain significance. Last evaluated: 2024-04-15. Review status: criteria provided, single submitter. Criteria: GeneDx Variant Classification Process June 2021. Collection method: clinical testing. Allele origin: germline. Affected: yes.
Comment: In silico analysis supports that this missense variant has a deleterious effect on protein structure/function; Has not been previously published as pathogenic or benign to our knowledge

Ambry Genetics
Classification: Uncertain significance for Inborn genetic diseases. Last evaluated: 2022-09-06. Review status: criteria provided, single submitter. Criteria: Ambry Variant Classification Scheme 2023. Collection method: clinical testing. Allele origin: germline.

NM_005554.4(KRT6A):c.46C>T (p.Arg16Trp)

Gene: KRT6A (keratin 6A; minus strand). Cytogenetic location: 12q13.13.
Variant type: single nucleotide variant.
Coding change: c.46C>T on transcript NM_005554.4 (MANE Select); coding-DNA position 46, C replaced by T.
Protein change: p.Arg16Trp; replaces arginine 16 with tryptophan.
Molecular consequence: missense variant.
Genome position (GRCh38, 1-based): chr12:52,493,143, G>A on the plus strand (C>T on the coding strand, the complement: KRT6A is on the minus strand). VCF-style: chr12-52493143-G-A. GRCh37 (hg19) VCF-style: chr12-52886927-G-A.
Other names: short protein forms R16W.
Identifiers: ClinVar variation 2390647 (VCV002390647.3), dbSNP rs767267061, ClinGen allele CA6582355.